The following is an entry in ClinVar:

ClinVar aggregate classification (germline): Uncertain significance (1 of 4 stars; one submission).

gnomAD v4.1: 2 of 1,614,106 alleles (0.00012%); highest among the groups gnomAD compares: Middle Eastern, 0.017%; no homozygotes.

Submission:

Labcorp Genetics (formerly Invitae), Labcorp
Classification: Uncertain significance. Last evaluated: 2025-08-11. Review status: criteria provided, single submitter. Criteria: Invitae Variant Classification Sherloc (09022015). Collection method: clinical testing. Allele origin: germline.
Comment: This sequence change replaces histidine, which is basic and polar, with arginine, which is basic and polar, at codon 360 of the CAPN5 protein (p.His360Arg). This variant is not present in population databases (gnomAD no frequency). This variant has not been reported in the literature in individuals affected with CAPN5-related conditions. ClinVar contains an entry for this variant (Variation ID: 1058484). Invitae Evidence Modeling of protein sequence and biophysical properties (such as structural, functional, and spatial information, amino acid conservation, physicochemical variation, residue mobility, and thermodynamic stability) indicates that this missense variant is not expected to disrupt CAPN5 protein function with a negative predictive value of 80%. In summary, the available evidence is currently insufficient to determine the role of this variant in disease. Therefore, it has been classified as a Variant of Uncertain Significance.

NM_004055.5(CAPN5):c.1079A>G (p.His360Arg)

Gene: CAPN5 (calpain 5; plus strand). Cytogenetic location: 11q13.5.
Variant type: single nucleotide variant.
Coding change: c.1079A>G on transcript NM_004055.5 (MANE Select); coding-DNA position 1079, A replaced by G.
Protein change: p.His360Arg; replaces histidine 360 with arginine.
Molecular consequence: missense variant.
Genome position (GRCh38, 1-based): chr11:77,118,264, A>G. VCF-style: chr11-77118264-A-G. GRCh37 (hg19) VCF-style: chr11-76829310-A-G.
Other names: short protein forms H360R.
Identifiers: ClinVar variation 1058484 (VCV001058484.9), dbSNP rs2135483861, ClinGen allele CA381941505.
Genomic context (GRCh38, chr11:77,118,264, plus strand): 5'-GCCGCGTGATCAACACATCCCACCTGAGCATCCACAAGACGTGGGAGGAGGCCCGGCTGC[A>G]TGGCGCCTGGACGCTGCATGAGGACCCGCGACAGAACCGCGGTGGCGGCTGCATCAACCA-3'
Protein context (NP_004046.2, residues 350-370): IHKTWEEARL[His360Arg]GAWTLHEDPR